The following is an entry in ClinVar:

ClinVar aggregate classification (germline): Benign (0 of 4 stars; one submission).

Conditions:
BRD2-related disorder. Also called: BRD2-related condition.

Allele frequency attached by ClinVar (database versions not stated): 1000 Genomes Project 30x 0.02139; 1000 Genomes Project 0.02296; TOPMed 0.02328; gnomAD 0.02366; ESP Exome Variant Server 0.02513; ExAC 0.02989; gnomAD exomes 0.03163.

Submission:

PreventionGenetics, part of Exact Sciences
Classification: Benign for BRD2-related condition. Last evaluated: 2019-05-08. Review status: no assertion criteria provided. Collection method: clinical testing. Allele origin: germline.
Comment: This variant is classified as benign based on ACMG/AMP sequence variant interpretation guidelines (Richards et al. 2015 PMID: 25741868, with internal and published modifications).

NM_005104.4(BRD2):c.1421C>T (p.Ala474Val)

Gene: BRD2 (bromodomain containing 2; plus strand). Cytogenetic location: 6p21.32.
Variant type: single nucleotide variant.
Coding change: c.1421C>T on transcript NM_005104.4 (MANE Select); coding-DNA position 1421, C replaced by T.
Protein change: p.Ala474Val; replaces alanine 474 with valine.
Molecular consequence: missense variant, initiator codon variant.
Genome position (GRCh38, 1-based): chr6:32,977,848, C>T. VCF-style: chr6-32977848-C-T. GRCh37 (hg19) VCF-style: chr6-32945625-C-T.
Other names: c.1421C>T, p.Ala474Val (NM_001113182.3, NM_001199455.1); c.1280C>T, p.Ala427Val (NM_001199456.2); c.1061C>T, p.Ala354Val (NM_001291986.2); short protein forms A354V, A427V, A474V.
Identifiers: ClinVar variation 3055955 (VCV003055955.2), dbSNP rs3918143, ClinGen allele CA3748556.